The following is an entry in ClinVar:

NM_003620.4(PPM1D):c.244G>T (p.Ala82Ser)

Gene: PPM1D (protein phosphatase, Mg2+/Mn2+ dependent 1D; plus strand). Cytogenetic location: 17q23.2.
Variant type: single nucleotide variant.
Coding change: c.244G>T on transcript NM_003620.4 (MANE Select); coding-DNA position 244, G replaced by T.
Protein change: p.Ala82Ser; replaces alanine 82 with serine.
Molecular consequence: missense variant.
Genome position (GRCh38, 1-based): chr17:60,600,658, G>T. VCF-style: chr17-60600658-G-T. GRCh37 (hg19) VCF-style: chr17-58678019-G-T.
Other names: short protein forms A82S.
Identifiers: ClinVar variation 695416 (VCV000695416.10), dbSNP rs34632861, ClinGen allele CA8687546.

ClinVar aggregate classification (germline): Benign. Review status: criteria provided, multiple submitters, no conflicts (2 of 4 stars). 2 submissions from 2 submitters: Benign (2). Last evaluated 2026-02-15.

Conditions:
PPM1D-related disorder. Also called: PPM1D-related condition.

Allele frequency attached by ClinVar (database versions not stated): gnomAD exomes 0.00118; ExAC 0.00247; 1000 Genomes Project 30x 0.00453; 1000 Genomes Project 0.00459; gnomAD 0.00562 and 0.00609; TOPMed 0.00617.

Submissions (2):

PreventionGenetics, part of Exact Sciences
Classification: Benign for PPM1D-related condition. Last evaluated: 2026-02-15. Review status: criteria provided, single submitter. Criteria: ACMG Guidelines, 2015. Collection method: clinical testing. Allele origin: germline.
Comment: This variant is classified as benign based on ACMG/AMP sequence variant interpretation guidelines (Richards et al. 2015 PMID: 25741868, with internal and published modifications).

Labcorp Genetics (formerly Invitae), Labcorp
Classification: Benign. Last evaluated: 2026-02-03. Review status: criteria provided, single submitter. Criteria: Invitae Variant Classification Sherloc (09022015). Collection method: clinical testing. Allele origin: germline.